The following is an entry in ClinVar:

ClinVar aggregate classification (germline): Uncertain significance (1 of 4 stars; one submission).

Submission:

Labcorp Genetics (formerly Invitae), Labcorp
Classification: Uncertain significance. Last evaluated: 2023-05-08. Review status: criteria provided, single submitter. Criteria: Invitae Variant Classification Sherloc (09022015). Collection method: clinical testing. Allele origin: germline.
Comment: This variant has not been reported in the literature in individuals affected with ATR-related conditions. In summary, the available evidence is currently insufficient to determine the role of this variant in disease. Therefore, it has been classified as a Variant of Uncertain Significance. An algorithm developed to predict the effect of missense changes on protein structure and function (PolyPhen-2) suggests that this variant is likely to be tolerated. This variant is not present in population databases (gnomAD no frequency). This sequence change replaces proline, which is neutral and non-polar, with alanine, which is neutral and non-polar, at codon 265 of the ATR protein (p.Pro265Ala).

NM_001184.4(ATR):c.793C>G (p.Pro265Ala)

Gene: ATR (ATR checkpoint kinase; minus strand). Cytogenetic location: 3q23.
Variant type: single nucleotide variant.
Coding change: c.793C>G on transcript NM_001184.4 (MANE Select); coding-DNA position 793, C replaced by G.
Protein change: p.Pro265Ala; replaces proline 265 with alanine.
Molecular consequence: missense variant.
Genome position (GRCh38, 1-based): chr3:142,562,609, G>C on the plus strand (C>G on the coding strand, the complement: ATR is on the minus strand). VCF-style: chr3-142562609-G-C. GRCh37 (hg19) VCF-style: chr3-142281451-G-C.
Other names: c.793C>G, p.Pro265Ala (NM_001354579.2); short protein forms P265A.
Identifiers: ClinVar variation 2786443 (VCV002786443.3), dbSNP rs2473427309, ClinGen allele CA354825491.
Genomic context (GRCh38, chr3:142,562,609, plus strand): 5'-TATCCATTTCTACAAGGTGTTTTAATAATTCCAAAAATGAGCTGAAAAAAGTGCTAGCTG[G>C]TTGTGCTGGTAGTCCTCCAAGCTGAAAAAGTTCTGTTAAAAAGCTAATTGCTAGGGATTT-3'
Protein context (NP_001175.2, residues 255-275): LFQLGGLPAQ[Pro265Ala]ASTFFSSFLE